The following is an entry in ClinVar:

ClinVar aggregate classification (germline): Uncertain significance. Review status: criteria provided, multiple submitters, no conflicts (2 of 4 stars). 2 submissions from 2 submitters: Uncertain significance (2). Last evaluated 2019-11-26.

Conditions:
Autosomal recessive limb-girdle muscular dystrophy type 2J (LGMDR10). Also called: Limb-girdle muscular dystrophy, type 2J; MUSCULAR DYSTROPHY, LIMB-GIRDLE, AUTOSOMAL RECESSIVE 10. Identifiers: Orphanet 140922, MedGen C1837342, MONDO:0012127, OMIM 608807.
Dilated cardiomyopathy 1G (CMD1G). Identifiers: Orphanet 154, MedGen C1858763, MONDO:0011400, OMIM 604145.

Allele frequency attached by ClinVar (database versions not stated): gnomAD exomes below 0.00001 and 0.00001; ExAC 0.00001; gnomAD 0.00003 and 0.00004; TOPMed 0.00003.
gnomAD v4.1: 11 of 1,587,308 alleles (0.00069%); highest among the groups gnomAD compares: African/African-American, 0.014%; no homozygotes.

Submissions (2):

GeneDx
Classification: Uncertain significance. Last evaluated: 2019-11-26. Review status: criteria provided, single submitter. Criteria: GeneDx Variant Classification Process June 2021. Collection method: clinical testing. Allele origin: germline. Affected: yes.
Comment: Not observed in large population cohorts (Lek et al., 2016); Missense variant in a gene in which most reported pathogenic variants are truncating/loss-of-function; Has not been previously published as pathogenic or benign to our knowledge

Labcorp Genetics (formerly Invitae), Labcorp
Classification: Uncertain significance for Dilated cardiomyopathy 1G; Autosomal recessive limb-girdle muscular dystrophy type 2J. Last evaluated: 2016-02-19. Review status: criteria provided, single submitter. Criteria: Invitae Variant Classification Sherloc (09022015). Collection method: clinical testing. Allele origin: germline.

NM_001267550.2(TTN):c.15500C>T (p.Pro5167Leu)

Gene: TTN (titin; minus strand). Cytogenetic location: 2q31.2.
Variant type: single nucleotide variant.
Coding change: c.15500C>T on transcript NM_001267550.2 (MANE Select); coding-DNA position 15500, C replaced by T.
Protein change: p.Pro5167Leu; replaces proline 5167 with leucine.
Molecular consequence: missense variant. On other transcripts: intron variant (3).
Genome position (GRCh38, 1-based): chr2:178,733,889, G>A on the plus strand (C>T on the coding strand, the complement: TTN is on the minus strand). VCF-style: chr2-178733889-G-A. GRCh37 (hg19) VCF-style: chr2-179598616-G-A.
Other names: c.14549C>T, p.Pro4850Leu (NM_001256850.1); c.11768C>T, p.Pro3923Leu (NM_133378.4); c.13282+4193C>T (NM_003319.4); c.13858+4193C>T (NM_133437.4); c.13657+4193C>T (NM_133432.3); short protein forms P5167L, P4850L, P3923L.
Identifiers: ClinVar variation 238709 (VCV000238709.5), dbSNP rs730880237, ClinGen allele CA2002206.
Genomic context (GRCh38, chr2:178,733,889, plus strand): 5'-AGGGTAACGGTTTGTCCTCCTAGTGCAATCAAATCATCTACTTTCTTTACAAAGGTTGGA[G>A]GTTCTAGTTAAGGAAAGAGAGCATATAAAACATATCAATTCCCAAACACTTTCAACACCA-3'
Protein context (NP_001254479.2, residues 5157-5177): GCMATHLLKE[Pro5167Leu]PTFVKKVDDL